The following is an entry in ClinVar:

ClinVar aggregate classification (germline): Likely pathogenic (1 of 4 stars; one submission).

Conditions:
Dilated cardiomyopathy 1G (CMD1G). Identifiers: Orphanet 154, MedGen C1858763, MONDO:0011400, OMIM 604145.
Autosomal recessive limb-girdle muscular dystrophy type 2J (LGMDR10). Also called: Limb-girdle muscular dystrophy, type 2J; MUSCULAR DYSTROPHY, LIMB-GIRDLE, AUTOSOMAL RECESSIVE 10. Identifiers: Orphanet 140922, MedGen C1837342, MONDO:0012127, OMIM 608807.

Submission:

Labcorp Genetics (formerly Invitae), Labcorp
Classification: Likely pathogenic for Dilated cardiomyopathy 1G; Autosomal recessive limb-girdle muscular dystrophy type 2J. Last evaluated: 2020-02-07. Review status: criteria provided, single submitter. Criteria: Invitae Variant Classification Sherloc (09022015). Collection method: clinical testing. Allele origin: germline.
Comment: In summary, the currently available evidence indicates that the variant is pathogenic, but additional data are needed to prove that conclusively. Therefore, this variant has been classified as Likely Pathogenic. This variant is located in the A band of TTN (PMID: 25589632). Truncating variants in this region are significantly overrepresented in patients affected with dilated cardiomyopathy (PMID: 25589632). Truncating variants in this region have also been reported in individuals affected with autosomal recessive centronuclear myopathy (PMID: 23975875). This variant has not been reported in the literature in individuals with TTN-related conditions. This variant is not present in population databases (ExAC no frequency). This sequence change results in a premature translational stop signal in the TTN gene (p.Asn16233Lysfs*6). While this is not anticipated to result in nonsense mediated decay, it is expected to create a truncated TTN protein.

Literature cited by the submitters: PubMed 25589632; PubMed 23975875.

NM_001267550.2(TTN):c.48698dup (p.Asn16233fs)

Genes: TTN (titin; minus strand), TTN-AS1 (TTN antisense RNA 1; plus strand), LOC126806426 (BRD4-independent group 4 enhancer GRCh37_chr2:179478848-179480047; plus strand). Cytogenetic location: 2q31.2.
Variant type: Duplication.
Coding change: c.48698dup on transcript NM_001267550.2 (MANE Select); coding-DNA position 48698, one base duplicated (A; older notation c.48698dupA).
Protein change: p.Asn16233fs; shifts the reading frame from asparagine 16233.
Molecular consequence: frameshift variant.
Genome position (GRCh38, 1-based): chr2:178,614,909, T duplicated on the plus strand (A on the coding strand, the reverse complement: TTN is on the minus strand); the first of 3 consecutive T bases (chr2:178,614,909-178,614,911); duplicating any one gives the same sequence. VCF-style (leftmost placement, unchanged base first): chr2-178614908-G-GT. GRCh37 (hg19) VCF-style: chr2-179479635-G-GT.
Other names: c.43775dup, p.Asn14592fs (NM_001256850.1); c.21503dup, p.Asn7168fs (NM_003319.4); c.40994dup, p.Asn13665fs (NM_133378.4); c.21878dup, p.Asn7293fs (NM_133432.3); c.22079dup, p.Asn7360fs (NM_133437.4); short protein forms N16233fs, N7168fs, N7360fs, N14592fs, N13665fs, N7293fs.
Identifiers: ClinVar variation 962253 (VCV000962253.10), dbSNP rs2057026455, ClinGen allele CA1139657456.
Genomic context (GRCh38, chr2:178,614,908, plus strand): 5'-TTGTGTGTCCACAGCCTGGATTTCCTCTGTGGGTCTGCTTGGTTTGCTAGCACCCTGCCT[G>GT]TTTAAGGCCTTCACGCGGTAGGCATACCATTTGCCTTCCTCAAGACCTGTCACTTCCATT-3'